The following is an entry in ClinVar:

ClinVar aggregate classification (germline): Uncertain significance (1 of 4 stars; one submission).

gnomAD v4.1: 1 of 1,562,010 alleles (0.000064%); highest among the groups gnomAD compares: East Asian, 0.0023%; no homozygotes.

Submission:

GeneDx
Classification: Uncertain significance. Last evaluated: 2026-04-04. Review status: criteria provided, single submitter. Criteria: GeneDx Variant Classification Process June 2021. Collection method: clinical testing. Allele origin: germline.
Comment: Not observed at significant frequency in large population cohorts (gnomAD); In silico analysis supports that this missense variant has a deleterious effect on protein structure/function; Has not been previously published as pathogenic or benign to our knowledge; Reported using an alternate transcript of the gene

NM_001114753.3(ENG):c.1947C>A (p.Ser649Arg)

Gene: ENG (endoglin; minus strand). Cytogenetic location: 9q34.11.
Variant type: single nucleotide variant.
Coding change: c.1947C>A on transcript NM_001114753.3 (MANE Select); coding-DNA position 1947, C replaced by A.
Protein change: p.Ser649Arg; replaces serine 649 with arginine.
Molecular consequence: missense variant. On other transcripts: 3 prime UTR variant (1).
Genome position (GRCh38, 1-based): chr9:127,815,712, G>T on the plus strand (C>A on the coding strand, the complement: ENG is on the minus strand). VCF-style: chr9-127815712-G-T. GRCh37 (hg19) VCF-style: chr9-130577991-G-T.
Other names: c.*205C>A (NM_000118.4); c.1401C>A, p.Ser467Arg (NM_001278138.2); short protein forms S467R, S649R.
Identifiers: ClinVar variation 5018105 (VCV005018105.1).
Genomic context (GRCh38, chr9:127,815,712, plus strand): 5'-CTCCTGCTGGGCGAGCGCGGGGGGCCGGGGCTATGCCATGCTGCTGGTGGAGCAGGGGGT[G>T]CTCTGGGTGCTCCCGATGCTGTGGTTGGTGCTGCTGCTCTCCGAGGAGGCCGGGGCAGCC-3'
Protein context (NP_001108225.1, residues 639-658): STNHSIGSTQ[Ser649Arg]TPCSTSSMA